The following is an entry in ClinVar:

ClinVar aggregate classification (germline): Likely benign (1 of 4 stars; one submission).

Conditions:
Dilated cardiomyopathy 3B (CMD3B). Also called: CMD3B: DMD-Related Dilated Cardiomyopathy; CARDIOMYOPATHY, DILATED, X-LINKED; DMD-Associated Dilated Cardiomyopathy. Identifiers: Orphanet 154, MedGen C3668940, MONDO:0010542, OMIM 302045.

Allele frequency attached by ClinVar (database versions not stated): gnomAD 0.00140 and 0.00148; TOPMed 0.00297; 1000 Genomes Project 30x 0.00354; 1000 Genomes Project 0.00450.

Submission:

Illumina Laboratory Services, Illumina
Classification: Likely benign for Dilated cardiomyopathy 3B. Last evaluated: 2018-01-13. Review status: criteria provided, single submitter. Criteria: ICSL Variant Classification Criteria 13 December 2019. Collection method: clinical testing. Allele origin: germline.
Comment: This variant was observed in the ICSL laboratory as part of a predisposition screen in an ostensibly healthy population. It had not been previously curated by ICSL or reported in the Human Gene Mutation Database (HGMD: prior to June 1st, 2018), and was therefore a candidate for classification through an automated scoring system. Utilizing variant allele frequency, disease prevalence and penetrance estimates, and inheritance mode, an automated score was calculated to assess if this variant is too frequent to cause the disease. Based on the score and internal cut-off values, a variant classified as likely benign is not then subjected to further curation. The score for this variant resulted in a classification of likely benign for this disease.

NM_004006.3(DMD):c.*1705A>G

Gene: DMD (dystrophin; minus strand). Cytogenetic location: Xp21.2.
Variant type: single nucleotide variant.
Coding change: c.*1705A>G on transcript NM_004006.3 (MANE Select); 1705 bases downstream of the stop codon, A replaced by G.
Molecular consequence: 3 prime UTR variant.
Genome position (GRCh38, 1-based): chrX:31,120,214, T>C on the plus strand (A>G on the coding strand, the complement: DMD is on the minus strand). VCF-style: chrX-31120214-T-C. GRCh37 (hg19) VCF-style: chrX-31138331-T-C.
Other names: c.*1705A>G (NM_000109.4, NM_004009.3, NM_004010.3 and 7 more transcripts); c.*1619A>G (NM_004016.3, NM_004018.3, NM_004021.3 and 2 more transcripts).
Identifiers: ClinVar variation 912399 (VCV000912399.4), dbSNP rs145632098, ClinGen allele CA328400530.